The following is an entry in ClinVar:

ClinVar aggregate classification (germline): Pathogenic (1 of 4 stars; one submission).

Submission:

ISCA Site 6
Classification: Pathogenic. Last evaluated: 2011-08-12. Review status: criteria provided, single submitter. Criteria: Kaminsky et al. (Genet Med. 2011). Collection method: clinical testing. Allele origin: unknown. Affected: yes. Observed: 1 variant allele.
Comment: Copy number variation identified through the course of routine clinical cytogenomic testing in postnatal populations. Clinical assertions have been curated as described in Kaminsky et al. 2011.

GRCh38/hg38 15q11.2-13.1(chr15:23450287-28446314)x1

Genes: SNORD116-13 (small nucleolar RNA, C/D box 116-13; plus strand), SNORD116-14 (small nucleolar RNA, C/D box 116-14; plus strand), SNORD116-15 (small nucleolar RNA, C/D box 116-15; plus strand), SNORD116-16 (small nucleolar RNA, C/D box 116-16; plus strand), SNORD116-17 (small nucleolar RNA, C/D box 116-17; plus strand) and 141 more. Cytogenetic location: 15q11.2-13.1.
Variant type: copy number loss.
Change: copy number 1 (one copy instead of two) of chr15:23,450,287-28,446,314 (5.00 Mb, GRCh38 coordinates, 1-based), cytogenetic band 15q11.2-13.1.
Identifiers: ClinVar variation 58627 (VCV000058627.2).